The following is an entry in ClinVar:

NM_152542.5(PPM1K):c.469G>A (p.Glu157Lys)

Gene: PPM1K (protein phosphatase, Mg2+/Mn2+ dependent 1K; minus strand). Cytogenetic location: 4q22.1.
Variant type: single nucleotide variant.
Coding change: c.469G>A on transcript NM_152542.5 (MANE Select); coding-DNA position 469, G replaced by A.
Protein change: p.Glu157Lys; replaces glutamic acid 157 with lysine.
Molecular consequence: missense variant.
Genome position (GRCh38, 1-based): chr4:88,277,215, C>T on the plus strand (G>A on the coding strand, the complement: PPM1K is on the minus strand). VCF-style: chr4-88277215-C-T. GRCh37 (hg19) VCF-style: chr4-89198367-C-T.
Other names: short protein forms E157K.
Identifiers: ClinVar variation 1048809 (VCV001048809.1), dbSNP rs1731806740, ClinGen allele CA357707534.

ClinVar aggregate classification (germline): Uncertain significance (0 of 4 stars; one submission).

Allele frequency attached by ClinVar (database versions not stated): TOPMed below 0.00001.

Submission:

Department of Pathology and Laboratory Medicine, Sinai Health System
Classification: Uncertain significance. Review status: no assertion criteria provided. Collection method: clinical testing. Allele origin: unknown. Affected: yes. Study: The Canadian Open Genetics Repository (COGR).
Comment: The PPM1K p.Glu157Lys variant was not identified in the literature nor was it identified in dbSNP, ClinVar, Cosmic, or LOVD 3.0. The variant was not identified in the following control databases: the 1000 Genomes Project, the NHLBI GO Exome Sequencing Project, the Exome Aggregation Consortium (August 8th 2016), or the Genome Aggregation Database (Feb 27, 2017). The p.Glu157 residue is conserved across mammals and other organisms, and four out of five computational analyses (PolyPhen-2, SIFT, AlignGVGD, BLOSUM, MutationTaster) suggest that the E variant may impact the protein; however, this information is not predictive enough to assume pathogenicity. The variant occurs outside of the splicing consensus sequence and in silico or computational prediction software programs (SpliceSiteFinder, MaxEntScan, NNSPLICE, GeneSplicer) do not predict a difference in splicing. In summary, based on the above information the clinical significance of this variant cannot be determined with certainty at this time. This variant is classified as a variant of uncertain significance.